The following is an entry in ClinVar:

NM_001395656.1(ROBO2):c.2493G>T (p.Glu831Asp)

Gene: ROBO2 (roundabout guidance receptor 2; plus strand). Cytogenetic location: 3p12.3.
Variant type: single nucleotide variant.
Coding change: c.2493G>T on transcript NM_001395656.1 (MANE Select); coding-DNA position 2493, G replaced by T.
Protein change: p.Glu831Asp; replaces glutamic acid 831 with aspartic acid.
Molecular consequence: missense variant.
Genome position (GRCh38, 1-based): chr3:77,580,099, G>T. VCF-style: chr3-77580099-G-T. GRCh37 (hg19) VCF-style: chr3-77629250-G-T.
Other names: c.2562G>T, p.Glu854Asp (NM_001378192.1, NM_001378194.1, NM_001394213.1 and 2 more transcripts); c.2481G>T, p.Glu827Asp (NM_001378193.1, NM_002942.5, NM_001378197.1); c.2541G>T, p.Glu847Asp (NM_001378195.1, NM_001378196.1, NM_001378200.1 and 4 more transcripts); c.2550G>T, p.Glu850Asp (NM_001394212.1, NM_001394214.1, NM_001395657.1); c.2493G>T, p.Glu831Asp (NM_001378202.1, NM_001290039.2, NM_001290040.2); c.2529G>T, p.Glu843Asp (NM_001128929.3); c.702G>T, p.Glu234Asp (NM_001290065.2); short protein forms E234D, E827D, E831D, E843D, E847D, E850D, E854D.
Identifiers: ClinVar variation 3343045 (VCV003343045.1).

ClinVar aggregate classification (germline): Uncertain significance (1 of 4 stars; one submission).

Submission:

GeneDx
Classification: Uncertain significance. Last evaluated: 2023-04-12. Review status: criteria provided, single submitter. Criteria: GeneDx Variant Classification Process June 2021. Collection method: clinical testing. Allele origin: germline. Affected: yes.
Comment: Not observed at significant frequency in large population cohorts (gnomAD); In silico analysis supports that this missense variant does not alter protein structure/function; Has not been previously published as pathogenic or benign to our knowledge